The following is an entry in ClinVar:

NM_000426.4(LAMA2):c.406A>G (p.Ile136Val)

Gene: LAMA2 (laminin subunit alpha 2; plus strand). Cytogenetic location: 6q22.33.
Variant type: single nucleotide variant.
Coding change: c.406A>G on transcript NM_000426.4 (MANE Select); coding-DNA position 406, A replaced by G.
Protein change: p.Ile136Val; replaces isoleucine 136 with valine.
Molecular consequence: missense variant.
Genome position (GRCh38, 1-based): chr6:129,098,182, A>G. VCF-style: chr6-129098182-A-G. GRCh37 (hg19) VCF-style: chr6-129419327-A-G.
Other names: c.406A>G, p.Ile136Val (NM_001079823.2); short protein forms I136V.
Identifiers: ClinVar variation 2419670 (VCV002419670.4), dbSNP rs2482427335, ClinGen allele CA365829062.

ClinVar aggregate classification (germline): Uncertain significance (1 of 4 stars; one submission).

Conditions:
LAMA2-related muscular dystrophy (LAMA2-RD). Also called: Laminin alpha 2-related dystrophy. Identifiers: MedGen C5679788, MONDO:0100228.

Allele frequency attached by ClinVar (database versions not stated): gnomAD exomes below 0.00001.
gnomAD v4.1: 1 of 1,614,096 alleles (0.000062%); highest among the groups gnomAD compares: African/African-American, 0.0013%; no homozygotes.

Submission:

Labcorp Genetics (formerly Invitae), Labcorp
Classification: Uncertain significance for LAMA2-related muscular dystrophy. Last evaluated: 2022-06-15. Review status: criteria provided, single submitter. Criteria: Invitae Variant Classification Sherloc (09022015). Collection method: clinical testing. Allele origin: germline.
Comment: This sequence change replaces isoleucine, which is neutral and non-polar, with valine, which is neutral and non-polar, at codon 136 of the LAMA2 protein (p.Ile136Val). This variant is not present in population databases (gnomAD no frequency). This variant has not been reported in the literature in individuals affected with LAMA2-related conditions. Advanced modeling of protein sequence and biophysical properties (such as structural, functional, and spatial information, amino acid conservation, physicochemical variation, residue mobility, and thermodynamic stability) performed at Invitae indicates that this missense variant is not expected to disrupt LAMA2 protein function. In summary, the available evidence is currently insufficient to determine the role of this variant in disease. Therefore, it has been classified as a Variant of Uncertain Significance.